The following is an entry in ClinVar:

NM_001377137.1(GBF1):c.803T>C (p.Ile268Thr)

Gene: GBF1 (golgi brefeldin A resistant guanine nucleotide exchange factor 1; plus strand). Cytogenetic location: 10q24.32.
Variant type: single nucleotide variant.
Coding change: c.803T>C on transcript NM_001377137.1 (MANE Select); coding-DNA position 803, T replaced by C.
Protein change: p.Ile268Thr; replaces isoleucine 268 with threonine.
Molecular consequence: missense variant. On other transcripts: non-coding transcript variant (5).
Genome position (GRCh38, 1-based): chr10:102,358,521, T>C. VCF-style: chr10-102358521-T-C. GRCh37 (hg19) VCF-style: chr10-104118278-T-C.
Other names: c.803T>C, p.Ile268Thr (NM_001199378.2, NM_001199379.2, NM_001377138.1 and 13 more transcripts); c.902T>C, p.Ile301Thr (NM_001391922.1, NM_001411027.1); c.878T>C, p.Ile293Thr (NM_001411003.1); short protein forms I301T, I268T, I293T.
Identifiers: ClinVar variation 4981911 (VCV004981911.1).
Genomic context (GRCh38, chr10:102,358,521, plus strand): 5'-CAGCCTCTTTCTTCTCCTTCAAGCGTCACATACTTTTCTTGGCAGGTGGCATGCCCTTCA[T>C]TGATGTGCCCACTCCCATCTCCTCTGCAAGTTCAGAAGCTGCCTCAGCAGTGGTCAGTCC-3'
Protein context (NP_001364066.1, residues 258-278): SSNLTGGMPF[Ile268Thr]DVPTPISSAS

ClinVar aggregate classification (germline): Likely benign (1 of 4 stars; one submission).

Conditions:
GBF1-related disorder. Also called: GBF1-related condition.

gnomAD v4.1: 155 of 1,612,980 alleles (0.0096%); highest among the groups gnomAD compares: African/African-American, 0.17%; no homozygotes.

Submission:

PreventionGenetics, part of Exact Sciences
Classification: Likely benign for GBF1-related condition. Last evaluated: 2026-09-04. Review status: criteria provided, single submitter. Criteria: ACMG Guidelines, 2015. Collection method: clinical testing. Allele origin: germline.
Comment: This variant is classified as likely benign based on ACMG/AMP sequence variant interpretation guidelines (Richards et al. 2015 PMID: 25741868, with internal and published modifications).